The following is an entry in ClinVar:

ClinVar aggregate classification (germline): Likely pathogenic (1 of 4 stars; one submission).

Submission:

GeneDx
Classification: Likely pathogenic. Last evaluated: 2021-07-14. Review status: criteria provided, single submitter. Criteria: GeneDx Variant Classification Process June 2021. Collection method: clinical testing. Allele origin: germline. Affected: yes.
Comment: Not observed at significant frequency in large population cohorts (Lek et al., 2016); In silico analysis supports that this missense variant has a deleterious effect on protein structure/function; This variant is associated with the following publications: (PMID: 27474218, 27535533)

NM_001374828.1(ARID1B):c.6461T>C (p.Ile2154Thr)

Gene: ARID1B (AT-rich interaction domain 1B; plus strand). Cytogenetic location: 6q25.3.
Variant type: single nucleotide variant.
Coding change: c.6461T>C on transcript NM_001374828.1 (MANE Select); coding-DNA position 6461, T replaced by C.
Protein change: p.Ile2154Thr; replaces isoleucine 2154 with threonine.
Molecular consequence: missense variant.
Genome position (GRCh38, 1-based): chr6:157,207,233, T>C. VCF-style: chr6-157207233-T-C. GRCh37 (hg19) VCF-style: chr6-157528367-T-C.
Other names: c.6092T>C (NM_020732.3); c.3962T>C, p.Ile1321Thr (NM_001363725.2); c.6341T>C, p.Ile2114Thr (NM_001371656.1, NM_001374820.1); c.6302T>C, p.Ile2101Thr (NM_017519.3); short protein forms I1321T, I2101T, I2114T, I2154T.
Identifiers: ClinVar variation 1254408 (VCV001254408.2), dbSNP rs2128397101, ClinGen allele CA366248335.